The following is an entry in ClinVar:

NM_005458.8(GABBR2):c.539A>G (p.Asn180Ser)

Gene: GABBR2 (gamma-aminobutyric acid type B receptor subunit 2; minus strand). Cytogenetic location: 9q22.33.
Variant type: single nucleotide variant.
Coding change: c.539A>G on transcript NM_005458.8 (MANE Select); coding-DNA position 539, A replaced by G.
Protein change: p.Asn180Ser; replaces asparagine 180 with serine.
Molecular consequence: missense variant.
Genome position (GRCh38, 1-based): chr9:98,541,964, T>C on the plus strand (A>G on the coding strand, the complement: GABBR2 is on the minus strand). VCF-style: chr9-98541964-T-C. GRCh37 (hg19) VCF-style: chr9-101304246-T-C.
Other names: short protein forms N180S.
Identifiers: ClinVar variation 2431989 (VCV002431989.6), dbSNP rs1460917135, ClinGen allele CA374351036.

ClinVar aggregate classification (germline): Uncertain significance. Review status: criteria provided, multiple submitters, no conflicts (2 of 4 stars). 2 submissions from 2 submitters: Uncertain significance (2). Last evaluated 2023-05-16.

Conditions:
Epileptic encephalopathy. Identifiers: MedGen C0543888, HP:0200134.

Allele frequency attached by ClinVar (database versions not stated): gnomAD 0.00001; TOPMed 0.00001.
gnomAD v4.1: 2 of 1,614,056 alleles (0.00012%); highest among the groups gnomAD compares: Admixed American, 0.0017%; no homozygotes.

Submissions (2):

Labcorp Genetics (formerly Invitae), Labcorp
Classification: Uncertain significance for Epileptic encephalopathy. Last evaluated: 2023-05-16. Review status: criteria provided, single submitter. Criteria: Invitae Variant Classification Sherloc (09022015). Collection method: clinical testing. Allele origin: germline.
Comment: This sequence change replaces asparagine, which is neutral and polar, with serine, which is neutral and polar, at codon 180 of the GABBR2 protein (p.Asn180Ser). This variant is not present in population databases (gnomAD no frequency). This variant has not been reported in the literature in individuals affected with GABBR2-related conditions. ClinVar contains an entry for this variant (Variation ID: 2431989). Advanced modeling of protein sequence and biophysical properties (such as structural, functional, and spatial information, amino acid conservation, physicochemical variation, residue mobility, and thermodynamic stability) performed at Invitae indicates that this missense variant is not expected to disrupt GABBR2 protein function. In summary, the available evidence is currently insufficient to determine the role of this variant in disease. Therefore, it has been classified as a Variant of Uncertain Significance.

Revvity Omics, Revvity
Classification: Uncertain significance. Last evaluated: 2022-01-07. Review status: criteria provided, single submitter. Criteria: ACMG Guidelines, 2015. Collection method: clinical testing. Allele origin: germline.